The following is an entry in ClinVar:

ClinVar aggregate classification (germline): Likely pathogenic (1 of 4 stars; one submission).

Conditions:
Ehlers-Danlos syndrome, dermatosparaxis type. Also called: EDS VIIC; Dermatosparaxis; Ehlers-Danlos syndrome, type VII, autosomal recessive. Identifiers: Orphanet 1901, MedGen C2700425, MONDO:0009161, OMIM 225410.

Submission:

Myriad Genetics, Inc.
Classification: Likely pathogenic for Ehlers-Danlos syndrome, dermatosparaxis type. Last evaluated: 2022-02-21. Review status: criteria provided, single submitter. Criteria: Myriad Women's Health Autosomal Recessive and X-Linked Classification Criteria (2021). Collection method: clinical testing. Allele origin: unknown.
Comment: NM_014244.4(ADAMTS2):c.27_28ins17(R10Sfs*161) is expected to be pathogenic in the context of Ehlers-Danlos syndrome type VIIC. This variant is predicted to lead to an abnormal or absent protein product due to the creation of a premature termination codon in ADAMTS2, a gene where loss-of-function variants are known to be pathogenic. Please note: this variant was assessed in the context of healthy population screening.

NM_014244.5(ADAMTS2):c.27_28insTCTTATACACATCTGTG (p.Arg10fs)

Gene: ADAMTS2 (ADAM metallopeptidase with thrombospondin type 1 motif 2; minus strand). Cytogenetic location: 5q35.3.
Variant type: Insertion.
Coding change: c.27_28insTCTTATACACATCTGTG on transcript NM_014244.5 (MANE Select); coding-DNA positions 27 to 28, TCTTATACACATCTGTG inserted.
Protein change: p.Arg10fs; shifts the reading frame from arginine 10.
Molecular consequence: frameshift variant.
Genome position: GRCh38 VCF-style: chr5-179345301-G-GCACAGATGTGTATAAGA. GRCh37 (hg19) VCF-style: chr5-178772302-G-GCACAGATGTGTATAAGA.
Other names: c.27_28insTCTTATACACATCTGTG, p.Arg10fs (NM_021599.4); short protein forms R10fs.
Identifiers: ClinVar variation 1724612 (VCV001724612.2), dbSNP rs2532193805, ClinGen allele CA2580074180.
Genomic context (GRCh38, chr5:179,345,301, plus strand): 5'-GCGGCAGGAGCGGCGGCGGCAGCAGCAGCAGCAGCAGCAGCAGCGCGGGGCAGAGCAGGC[G>GCACAGATGTGTATAAGA]GCGAGCGGCTCCCGCCGGCGGATCCATGGCAGCCGGACTGCAGCCGGGGCCCCGCACTCG-3'